The following is an entry in ClinVar:

NM_001276270.2(MBD4):c.333C>G (p.Ile111Met)

Gene: MBD4 (methyl-CpG binding domain 4, DNA glycosylase; minus strand). Cytogenetic location: 3q21.3.
Variant type: single nucleotide variant.
Coding change: c.333C>G on transcript NM_001276270.2 (MANE Select); coding-DNA position 333, C replaced by G.
Protein change: p.Ile111Met; replaces isoleucine 111 with methionine.
Molecular consequence: missense variant. On other transcripts: intron variant (1).
Genome position (GRCh38, 1-based): chr3:129,437,722, G>C on the plus strand (C>G on the coding strand, the complement: MBD4 is on the minus strand). VCF-style: chr3-129437722-G-C. GRCh37 (hg19) VCF-style: chr3-129156565-G-C.
Other names: c.333C>G, p.Ile111Met (NM_001276271.2, NM_001276272.2, NM_003925.3); c.247+86C>G (NM_001276273.2); short protein forms I111M.
Identifiers: ClinVar variation 4624418 (VCV004624418.1).

ClinVar aggregate classification (germline): Uncertain significance (1 of 4 stars; one submission).

Conditions:
Inborn genetic diseases. Identifiers: MedGen C0950123, MeSH D030342.

Submission:

Ambry Genetics
Classification: Uncertain significance for Inborn genetic diseases. Last evaluated: 2025-11-13. Review status: criteria provided, single submitter. Criteria: Ambry Variant Classification Scheme 2023. Collection method: clinical testing. Allele origin: germline.
Comment: The p.I111M variant (also known as c.333C>G), located in coding exon 2 of the MBD4 gene, results from a C to G substitution at nucleotide position 333. The isoleucine at codon 111 is replaced by methionine, an amino acid with highly similar properties. This amino acid position is conserved. In addition, the in silico prediction for this alteration is inconclusive. Based on the available evidence, the clinical significance of this variant remains unclear.